The following is an entry in ClinVar:

ClinVar aggregate classification (germline): Pathogenic (1 of 4 stars; one submission).

Conditions:
Marfan syndrome (MFS). Also called: MARFAN SYNDROME, TYPE I; Marfan syndrome type 1; Marfan's syndrome; Marfan syndrome, classic; FBN1-Related Marfan Syndrome. Identifiers: Orphanet 284963, Orphanet 558, MedGen C0024796, MONDO:0007947, OMIM 154700.
Familial thoracic aortic aneurysm and aortic dissection (TAAD). Also called: Thoracic aortic aneurysms and dissections. Identifiers: Orphanet 91387, MedGen C4707243, MONDO:0019625.

Submission:

Labcorp Genetics (formerly Invitae), Labcorp
Classification: Pathogenic for Marfan syndrome; Familial thoracic aortic aneurysm and aortic dissection. Last evaluated: 2022-12-10. Review status: criteria provided, single submitter. Criteria: Invitae Variant Classification Sherloc (09022015). Collection method: clinical testing. Allele origin: germline.
Comment: For these reasons, this variant has been classified as Pathogenic. This premature translational stop signal has been observed in individual(s) with Marfan syndrome (PMID: 28941062). This variant is not present in population databases (gnomAD no frequency). This sequence change creates a premature translational stop signal (p.Pro1655Leufs*27) in the FBN1 gene. It is expected to result in an absent or disrupted protein product. Loss-of-function variants in FBN1 are known to be pathogenic (PMID: 17657824, 19293843).

Literature cited by the submitters: PubMed 28941062; PubMed 17657824; PubMed 19293843.

NM_000138.5(FBN1):c.4962del (p.Pro1655fs)

Gene: FBN1 (fibrillin 1; minus strand). Cytogenetic location: 15q21.1.
Variant type: Deletion.
Coding change: c.4962del on transcript NM_000138.5 (MANE Select); coding-DNA position 4962, one base deleted (T; older notation c.4962delT).
Protein change: p.Pro1655fs; shifts the reading frame from proline 1655.
Molecular consequence: frameshift variant.
Genome position (GRCh38, 1-based): chr15:48,464,002, A deleted on the plus strand (T on the coding strand, the reverse complement: FBN1 is on the minus strand). VCF-style (leftmost placement, unchanged base first): chr15-48464001-GA-G. GRCh37 (hg19) VCF-style: chr15-48756198-GA-G.
Other names: c.4962del, p.Pro1655fs (NM_001406716.1); short protein forms P1655fs.
Identifiers: ClinVar variation 2925551 (VCV002925551.3), dbSNP rs2505493513, ClinGen allele CA2695220544.
Genomic context (GRCh38, chr15:48,464,001, plus strand): 5'-GACAGATACAGGTGTAGTTGCCAACGGTGTTGTAACATGTCCCTGGACCACAGATTCCAG[GA>G]GTCTCACATTCATTCACATCTATAATCCAAAGAGAAAGTGGTATGTGAATATGAAAACTT-3'